The following is an entry in ClinVar:

NM_178862.3(STT3B):c.1899+15_1899+16del

Gene: STT3B (STT3 oligosaccharyltransferase complex catalytic subunit B; plus strand). Cytogenetic location: 3p23.
Variant type: Deletion.
Coding change: c.1899+15_1899+16del on transcript NM_178862.3 (MANE Select); bases 15 to 16 of the intron after coding-DNA position 1899, 2 bases deleted (AA; older notation c.1899+15_1899+16delAA).
Molecular consequence: intron variant.
Genome position (GRCh38, 1-based): chr3:31,625,100-31,625,101, AA deleted; deleting any 2 consecutive bases within chr3:31,625,099-31,625,101 gives the same sequence; the c. name uses the placement nearest the transcript's 3' end. VCF-style (leftmost placement, unchanged base first): chr3-31625098-TAA-T. GRCh37 (hg19) VCF-style: chr3-31666590-TAA-T.
Identifiers: ClinVar variation 668477 (VCV000668477.8), dbSNP rs764481566, ClinGen allele CA2295294.

ClinVar aggregate classification (germline): Likely benign. Review status: criteria provided, multiple submitters, no conflicts (2 of 4 stars). 2 submissions from 2 submitters: Likely benign (2). Last evaluated 2023-11-27.

Conditions:
STT3B-congenital disorder of glycosylation. Also called: CDG Ix; Congenital disorder of glycosylation type 1x; STT3B-CDG. Identifiers: Orphanet 370924, MedGen C2931007, MONDO:0014271, OMIM 615597.

Submissions (2):

Labcorp Genetics (formerly Invitae), Labcorp
Classification: Likely benign for STT3B-congenital disorder of glycosylation. Last evaluated: 2023-11-27. Review status: criteria provided, single submitter. Criteria: Invitae Variant Classification Sherloc (09022015). Collection method: clinical testing. Allele origin: germline.

GeneDx
Classification: Likely benign. Last evaluated: 2018-05-17. Review status: criteria provided, single submitter. Criteria: GeneDx Variant Classification (06012015). Collection method: clinical testing. Allele origin: germline. Affected: yes.
Comment: This variant is considered likely benign or benign based on one or more of the following criteria: it is a conservative change, it occurs at a poorly conserved position in the protein, it is predicted to be benign by multiple in silico algorithms, and/or has population frequency not consistent with disease.